The following is an entry in ClinVar:

NM_001378454.1(ALMS1):c.9389C>G (p.Pro3130Arg)

Gene: ALMS1 (ALMS1 centrosome and basal body associated protein; plus strand). Cytogenetic location: 2p13.1.
Variant type: single nucleotide variant.
Coding change: c.9389C>G on transcript NM_001378454.1 (MANE Select); coding-DNA position 9389, C replaced by G.
Protein change: p.Pro3130Arg; replaces proline 3130 with arginine.
Molecular consequence: missense variant.
Genome position (GRCh38, 1-based): chr2:73,491,348, C>G. VCF-style: chr2-73491348-C-G. GRCh37 (hg19) VCF-style: chr2-73718475-C-G.
Other names: c.9392C>G, p.Pro3131Arg (NM_015120.4); short protein forms P3131R, P3130R.
Identifiers: ClinVar variation 393378 (VCV000393378.23), dbSNP rs200586877, ClinGen allele CA1714652.

ClinVar aggregate classification (germline): Conflicting classifications of pathogenicity. Review status: criteria provided, conflicting classifications (1 of 4 stars). 10 submissions from 10 submitters: Uncertain significance (6); Uncertain risk allele (1); Likely benign (2). 1 of the submissions does not count toward it. Last evaluated 2026-09-12.

Conditions:
Cardiovascular phenotype. Identifiers: MedGen CN230736.
Monogenic diabetes. Identifiers: Orphanet 183625, MedGen C3888631, MONDO:0015967.
Alstrom syndrome (ALMS). Identifiers: Orphanet 64, MedGen C0268425, MONDO:0008763, OMIM 203800.

Allele frequency attached by ClinVar (database versions not stated): ExAC 0.00012; 1000 Genomes Project 30x 0.00016; gnomAD exomes 0.00016 and 0.00028; gnomAD 0.00017; 1000 Genomes Project 0.00020; TOPMed 0.00024; ESP Exome Variant Server 0.00050.
gnomAD v4.1: 426 of 1,614,160 alleles (0.026%); highest among the groups gnomAD compares: Non-Finnish European, 0.035%; no homozygotes.

Submissions (10):

GeneDx
Classification: Uncertain significance. Last evaluated: 2026-09-12. Review status: criteria provided, single submitter. Criteria: GeneDx Variant Classification Process June 2021. Collection method: clinical testing. Allele origin: germline.
Comment: In silico analysis suggests that this missense variant does not alter protein structure/function; Has not been previously published as pathogenic or benign to our knowledge

Women's Health and Genetics/Laboratory Corporation of America, LabCorp
Classification: Uncertain significance. Last evaluated: 2025-03-14. Review status: criteria provided, single submitter. Criteria: LabCorp Variant Classification Summary - May 2015. Collection method: clinical testing. Allele origin: germline.

Blueprint Genetics
Classification: Uncertain significance. Last evaluated: 2024-07-29. Review status: criteria provided, single submitter. Criteria: ACMG Guidelines, 2015. Collection method: clinical testing. Allele origin: germline.

Labcorp Genetics (formerly Invitae), Labcorp
Classification: Uncertain significance for Alstrom syndrome. Last evaluated: 2022-08-31. Review status: criteria provided, single submitter. Criteria: Invitae Variant Classification Sherloc (09022015). Collection method: clinical testing. Allele origin: germline.
Comment: This sequence change replaces proline, which is neutral and non-polar, with arginine, which is basic and polar, at codon 3131 of the ALMS1 protein (p.Pro3131Arg). This variant is present in population databases (rs200586877, gnomAD 0.03%). This variant has not been reported in the literature in individuals affected with ALMS1-related conditions. ClinVar contains an entry for this variant (Variation ID: 393378). Experimental studies and prediction algorithms are not available or were not evaluated, and the functional significance of this variant is currently unknown. In summary, the available evidence is currently insufficient to determine the role of this variant in disease. Therefore, it has been classified as a Variant of Uncertain Significance.

Ambry Genetics
Classification: Likely benign for Cardiovascular phenotype. Last evaluated: 2022-08-22. Review status: criteria provided, single submitter. Criteria: Ambry Variant Classification Scheme 2023. Collection method: clinical testing. Allele origin: germline.

Laboratory for Molecular Medicine, Mass General Brigham Personalized Medicine
Classification: Uncertain significance. Last evaluated: 2020-01-24. Review status: criteria provided, single submitter. Criteria: LMM Criteria. Collection method: clinical testing. Allele origin: germline. Observed: 1 variant allele.
Comment: The p.Pro3131Arg variant in ALMS1 has not been previously reported in individuals with hearing loss, but has been identified in 0.03% (46/128626) of European chromosomes by gnomAD. This variant has also been reported in ClinVar (Variation ID 393378). Computational prediction tools and conservation analysis suggest that this variant may not impact the protein, though this information is not predictive enough to rule out pathogenicity. In summary, the clinical significance of this variant is uncertain. ACMG/AMP Criteria applied: PM2_Supporting, BP4.

Personalized Diabetes Medicine Program, University of Maryland School of Medicine
Classification: Likely benign for Monogenic diabetes. Last evaluated: 2019-01-25. Review status: criteria provided, single submitter. Criteria: ACMG Guidelines, 2015. Collection method: research. Allele origin: unknown. Observed: 2 variant alleles, 2 heterozygotes.
Comment: ACMG criteria: BP4 (REVEL 0.037 + 7 predictors), BP1 (missense variant when truncating case disease)=likely benign

Phosphorus, Inc.
Classification: Uncertain significance for Alstrom syndrome. Last evaluated: 2017-08-01. Review status: criteria provided, single submitter. Criteria: ACMG Guidelines, 2015. Collection method: clinical testing. Allele origin: germline. Observed: 1 variant allele.

Clinical Genomics, Uppaluri K&H Personalized Medicine Clinic
Classification: Uncertain risk allele for Alstrom syndrome. Review status: criteria provided, single submitter. Criteria: K & H Uppaluri Personalized Medicine Clinic Variant Classification & Assertion Criteria_Updated V.1. Collection method: research. Allele origin: unknown. Inheritance: Autosomal recessive inheritance.
Comment: Potent mutations in ALMS1 are associated with a rare condition called Alstrom syndrome. It can cause excessive eating, insulin resistance. However, no evidence is found to ascertain the role of rs200586877 in Alstrom syndrome yet.

Natera, Inc.
Classification: Uncertain significance for Alstrom syndrome. Last evaluated: 2020-09-16. Review status: no assertion criteria provided. Collection method: clinical testing. Allele origin: germline. Not counted in ClinVar's aggregate classification.

Literature cited by the submitters: PubMed 34148947 (cited by Clinical Genomics, Uppaluri K&H Personalized Medicine Clinic); PubMed 25846608 (cited by Clinical Genomics, Uppaluri K&H Personalized Medicine Clinic); PubMed 30421101 (cited by Clinical Genomics, Uppaluri K&H Personalized Medicine Clinic); PubMed 33669459 (cited by Clinical Genomics, Uppaluri K&H Personalized Medicine Clinic).